The following is an entry in ClinVar:

ClinVar aggregate classification (germline): Uncertain significance (1 of 4 stars; one submission).

Conditions:
Epileptic encephalopathy. Identifiers: MedGen C0543888, HP:0200134.

Allele frequency attached by ClinVar (database versions not stated): gnomAD 0.00005; gnomAD exomes 0.00008 and 0.00011; ExAC 0.00010; ESP Exome Variant Server 0.00015; TOPMed 0.00008.
gnomAD v4.1: 129 of 1,610,312 alleles (0.008%); highest among the groups gnomAD compares: Middle Eastern, 0.13%; no homozygotes.

Submission:

Labcorp Genetics (formerly Invitae), Labcorp
Classification: Uncertain significance for Epileptic encephalopathy. Last evaluated: 2024-09-14. Review status: criteria provided, single submitter. Criteria: Invitae Variant Classification Sherloc (09022015). Collection method: clinical testing. Allele origin: germline.
Comment: This sequence change replaces alanine, which is neutral and non-polar, with threonine, which is neutral and polar, at codon 458 of the FASN protein (p.Ala458Thr). This variant is present in population databases (rs146838277, gnomAD 0.07%), and has an allele count higher than expected for a pathogenic variant. This variant has not been reported in the literature in individuals affected with FASN-related conditions. ClinVar contains an entry for this variant (Variation ID: 530961). An algorithm developed to predict the effect of missense changes on protein structure and function (PolyPhen-2) suggests that this variant is likely to be tolerated. In summary, the available evidence is currently insufficient to determine the role of this variant in disease. Therefore, it has been classified as a Variant of Uncertain Significance.

NM_004104.5(FASN):c.1372G>A (p.Ala458Thr)

Gene: FASN (fatty acid synthase; minus strand). Cytogenetic location: 17q25.3.
Variant type: single nucleotide variant.
Coding change: c.1372G>A on transcript NM_004104.5 (MANE Select); coding-DNA position 1372, G replaced by A.
Protein change: p.Ala458Thr; replaces alanine 458 with threonine.
Molecular consequence: missense variant.
Genome position (GRCh38, 1-based): chr17:82,091,342, C>T on the plus strand (G>A on the coding strand, the complement: FASN is on the minus strand). VCF-style: chr17-82091342-C-T. GRCh37 (hg19) VCF-style: chr17-80049218-C-T.
Other names: short protein forms A458T.
Identifiers: ClinVar variation 530961 (VCV000530961.9), dbSNP rs146838277, ClinGen allele CA8853188.
Genomic context (GRCh38, chr17:82,091,342, plus strand): 5'-CGCGCTCACCACCCAGCACAGCGTAGCCACGGAAGGGCATGGCGGTGGCGGGGACAGCCG[C>T]GATGTCGTTCAGCATGCTCAGGAAAGCCAGGTCCTGGCTGTGCCGGAGGCCCTGCTCCAG-3'
Protein context (NP_004095.4, residues 448-468): LAFLSMLNDI[Ala458Thr]AVPATAMPFR